The following is an entry in ClinVar:

NM_002335.4(LRP5):c.4381G>A (p.Val1461Met)

Gene: LRP5 (LDL receptor related protein 5; plus strand). Cytogenetic location: 11q13.2.
Variant type: single nucleotide variant.
Coding change: c.4381G>A on transcript NM_002335.4 (MANE Select); coding-DNA position 4381, G replaced by A.
Protein change: p.Val1461Met; replaces valine 1461 with methionine.
Molecular consequence: missense variant.
Genome position (GRCh38, 1-based): chr11:68,439,809, G>A. VCF-style: chr11-68439809-G-A. GRCh37 (hg19) VCF-style: chr11-68207277-G-A.
Other names: c.2638G>A, p.Val880Met (NM_001291902.2); short protein forms V1461M, V880M.
Identifiers: ClinVar variation 1960792 (VCV001960792.5), dbSNP rs563067310, ClinGen allele CA6150343.

ClinVar aggregate classification (germline): Uncertain significance (1 of 4 stars; one submission).

Allele frequency attached by ClinVar (database versions not stated): TOPMed below 0.00001; ExAC 0.00001; gnomAD 0.00001; gnomAD exomes 0.00001; 1000 Genomes Project 30x 0.00016; 1000 Genomes Project 0.00020.
gnomAD v4.1: 7 of 1,611,844 alleles (0.00043%); highest among the groups gnomAD compares: Admixed American, 0.005%; no homozygotes.

Submission:

Labcorp Genetics (formerly Invitae), Labcorp
Classification: Uncertain significance. Last evaluated: 2024-12-02. Review status: criteria provided, single submitter. Criteria: Invitae Variant Classification Sherloc (09022015). Collection method: clinical testing. Allele origin: germline.
Comment: This sequence change replaces valine, which is neutral and non-polar, with methionine, which is neutral and non-polar, at codon 1461 of the LRP5 protein (p.Val1461Met). This variant is present in population databases (rs563067310, gnomAD 0.007%). This variant has not been reported in the literature in individuals affected with LRP5-related conditions. ClinVar contains an entry for this variant (Variation ID: 1960792). Invitae Evidence Modeling of protein sequence and biophysical properties (such as structural, functional, and spatial information, amino acid conservation, physicochemical variation, residue mobility, and thermodynamic stability) indicates that this missense variant is not expected to disrupt LRP5 protein function with a negative predictive value of 95%. In summary, the available evidence is currently insufficient to determine the role of this variant in disease. Therefore, it has been classified as a Variant of Uncertain Significance.